The following is an entry in ClinVar:

NM_001605.3(AARS1):c.1546G>C (p.Val516Leu)

Gene: AARS1 (alanyl-tRNA synthetase 1; minus strand). Cytogenetic location: 16q22.1.
Variant type: single nucleotide variant.
Coding change: c.1546G>C on transcript NM_001605.3 (MANE Select); coding-DNA position 1546, G replaced by C.
Protein change: p.Val516Leu; replaces valine 516 with leucine.
Molecular consequence: missense variant.
Genome position (GRCh38, 1-based): chr16:70,262,471, C>G on the plus strand (G>C on the coding strand, the complement: AARS1 is on the minus strand). VCF-style: chr16-70262471-C-G. GRCh37 (hg19) VCF-style: chr16-70296374-C-G.
Other names: short protein forms V516L.
Identifiers: ClinVar variation 387311 (VCV000387311.13), dbSNP rs143844046, ClinGen allele CA8140758.

ClinVar aggregate classification (germline): Conflicting classifications of pathogenicity. Review status: criteria provided, conflicting classifications (1 of 4 stars). 4 submissions from 4 submitters: Uncertain significance (3); Likely benign (1). Last evaluated 2026-06-25.

Conditions:
AARS1-related disorder. Also called: AARS1-related condition.
Inborn genetic diseases. Identifiers: MedGen C0950123, MeSH D030342.
Charcot-Marie-Tooth disease type 2. Also called: Charcot-Marie-Tooth type 2. Identifiers: Orphanet 64746, MedGen C0270914, MONDO:0018993.

Allele frequency attached by ClinVar (database versions not stated): gnomAD 0.00006; TOPMed 0.00007; ESP Exome Variant Server 0.00015.
gnomAD v4.1: 11 of 1,614,064 alleles (0.00068%); highest among the groups gnomAD compares: African/African-American, 0.013%; no homozygotes.

Submissions (4):

PreventionGenetics, part of Exact Sciences
Classification: Uncertain significance for AARS1-related condition. Last evaluated: 2026-06-25. Review status: criteria provided, single submitter. Criteria: ACMG Guidelines, 2015. Collection method: clinical testing. Allele origin: germline.
Comment: The AARS1 c.1546G>C variant is predicted to result in the amino acid substitution p.Val516Leu. To our knowledge, this variant has not been reported in the literature. This variant is reported in 0.032% of alleles in individuals of African descent in gnomAD. At this time, the clinical significance of this variant is uncertain due to the absence of conclusive functional and genetic evidence.

Labcorp Genetics (formerly Invitae), Labcorp
Classification: Likely benign for Charcot-Marie-Tooth disease type 2. Last evaluated: 2025-07-21. Review status: criteria provided, single submitter. Criteria: Invitae Variant Classification Sherloc (09022015). Collection method: clinical testing. Allele origin: germline.

Ambry Genetics
Classification: Uncertain significance for Inborn genetic diseases. Last evaluated: 2023-09-25. Review status: criteria provided, single submitter. Criteria: Ambry Variant Classification Scheme 2023. Collection method: clinical testing. Allele origin: germline.

GeneDx
Classification: Uncertain significance. Last evaluated: 2019-08-22. Review status: criteria provided, single submitter. Criteria: GeneDx Variant Classification Process June 2021. Collection method: clinical testing. Allele origin: germline. Affected: yes.
Comment: In silico analysis, which includes protein predictors and evolutionary conservation, supports a deleterious effect; Has not been previously published as pathogenic or benign to our knowledge